The following is an entry in ClinVar:

NM_000410.4(HFE):c.*988G>A

Gene: HFE (homeostatic iron regulator; plus strand). Cytogenetic location: 6p22.2.
Variant type: single nucleotide variant.
Coding change: c.*988G>A on transcript NM_000410.4 (MANE Select); 988 bases downstream of the stop codon, G replaced by A.
Molecular consequence: 3 prime UTR variant.
Genome position (GRCh38, 1-based): chr6:26,095,214, G>A. VCF-style: chr6-26095214-G-A. GRCh37 (hg19) VCF-style: chr6-26095442-G-A.
Other names: c.*803G>A (NM_001300749.3, NM_001384164.1, NM_001406752.1); c.*988G>A (NM_001406751.1, NM_139003.3, NM_139004.3 and 6 more transcripts).
Identifiers: ClinVar variation 356208 (VCV000356208.36), dbSNP rs143278243, ClinGen allele CA10623560.
Genomic context (GRCh38, chr6:26,095,214, plus strand): 5'-TATGAGATAGGTACTATTATCCCCATTTCTTTTTTAAATGAAGAAAGTGAAGTAGGCCGG[G>A]CACGGTGGCTCACGCCTGTAATCCCAGCACTTTGGGAGGCCAAAGCGGGTGGATCACGAG-3'

ClinVar aggregate classification (germline): Conflicting classifications of pathogenicity. Review status: criteria provided, conflicting classifications (1 of 4 stars). 2 submissions from 2 submitters: Uncertain significance (1); Benign (1). Last evaluated 2023-06-01.

Conditions:
Hemochromatosis type 1 (HFE1). Also called: HFE-Related Hemochromatosis; HFE-Associated Hereditary Hemochromatosis. Identifiers: Orphanet 465508, MedGen C3469186, MONDO:0021001, OMIM 235200. Disease mechanism: loss of function.

Allele frequency attached by ClinVar (database versions not stated): 1000 Genomes Project 30x 0.00359; 1000 Genomes Project 0.00379; TOPMed 0.00856; gnomAD 0.00983 and 0.01012.

Submissions (2):

CeGaT Center for Human Genetics Tuebingen
Classification: Benign. Last evaluated: 2023-06-01. Review status: criteria provided, single submitter. Criteria: CeGaT Center For Human Genetics Tuebingen Variant Classification Criteria Version 2. Collection method: clinical testing. Allele origin: germline. Affected: yes. Observed: 12 variant alleles.
Comment: HFE: BS1, BS2

Illumina Laboratory Services, Illumina
Classification: Uncertain significance for Hemochromatosis type 1. Last evaluated: 2018-01-13. Review status: criteria provided, single submitter. Criteria: ICSL Variant Classification Criteria 13 December 2019. Collection method: clinical testing. Allele origin: germline.